The following is an entry in ClinVar:

NM_001082486.2(ACD):c.1126G>A (p.Val376Ile)

Gene: ACD (ACD shelterin complex subunit and telomerase recruitment factor; minus strand). Cytogenetic location: 16q22.1.
Variant type: single nucleotide variant.
Coding change: c.1126G>A on transcript NM_001082486.2 (MANE Select); coding-DNA position 1126, G replaced by A.
Protein change: p.Val376Ile; replaces valine 376 with isoleucine.
Molecular consequence: missense variant.
Genome position (GRCh38, 1-based): chr16:67,658,066, C>T on the plus strand (G>A on the coding strand, the complement: ACD is on the minus strand). VCF-style: chr16-67658066-C-T. GRCh37 (hg19) VCF-style: chr16-67691969-C-T.
Other names: c.1039G>A, p.Val347Ile (NM_001410884.1); c.1117G>A, p.Val373Ile (NM_022914.3); short protein forms V347I, V373I, V376I.
Identifiers: ClinVar variation 1911186 (VCV001911186.5), dbSNP rs2543598516, ClinGen allele CA396351979.
Genomic context (GRCh38, chr16:67,658,066, plus strand): 5'-GGGCTCCCCTGGTAGCTCCGGTCCTGGGAAAAGGCGGCCGATTCTTGCAGGGCAACCCTA[C>T]AAACTCCTTGAACTCCAGGCTAGGTTTCTGGGGCCTGGTCACAAGAGCCTGGTGTGGACT-3'
Protein context (NP_001075955.2, residues 366-386): QKPSLEFKEF[Val376Ile]GLPCKNRPPF

ClinVar aggregate classification (germline): Uncertain significance (1 of 4 stars; one submission).

Conditions:
Dyskeratosis congenita, autosomal dominant 6 (DKCA6). Identifiers: Orphanet 3322, MedGen C4225284, MONDO:0014690, OMIM 616553.

Allele frequency attached by ClinVar (database versions not stated): gnomAD exomes below 0.00001.

Submission:

Labcorp Genetics (formerly Invitae), Labcorp
Classification: Uncertain significance for Dyskeratosis congenita, autosomal dominant 6. Last evaluated: 2022-09-07. Review status: criteria provided, single submitter. Criteria: Invitae Variant Classification Sherloc (09022015). Collection method: clinical testing. Allele origin: germline.
Comment: In summary, the available evidence is currently insufficient to determine the role of this variant in disease. Therefore, it has been classified as a Variant of Uncertain Significance. Algorithms developed to predict the effect of missense changes on protein structure and function (SIFT, PolyPhen-2, Align-GVGD) all suggest that this variant is likely to be tolerated. This variant has not been reported in the literature in individuals affected with ACD-related conditions. This variant is not present in population databases (gnomAD no frequency). This sequence change replaces valine, which is neutral and non-polar, with isoleucine, which is neutral and non-polar, at codon 462 of the ACD protein (p.Val462Ile).